The following is an entry in ClinVar:

NM_001903.5(CTNNA1):c.974C>G (p.Thr325Arg)

Gene: CTNNA1 (catenin alpha 1; plus strand). Cytogenetic location: 5q31.2.
Variant type: single nucleotide variant.
Coding change: c.974C>G on transcript NM_001903.5 (MANE Select); coding-DNA position 974, C replaced by G.
Protein change: p.Thr325Arg; replaces threonine 325 with arginine.
Molecular consequence: missense variant.
Genome position (GRCh38, 1-based): chr5:138,827,630, C>G. VCF-style: chr5-138827630-C-G. GRCh37 (hg19) VCF-style: chr5-138163319-C-G.
Other names: c.974C>G, p.Thr325Arg (NM_001290307.3, NM_001323982.2, NM_001323983.1 and 3 more transcripts); c.665C>G, p.Thr222Arg (NM_001290309.3); c.605C>G, p.Thr202Arg (NM_001290310.3); short protein forms T202R, T222R, T325R.
Identifiers: ClinVar variation 1024048 (VCV001024048.11), dbSNP rs1581178471, ClinGen allele CA361131035.
Genomic context (GRCh38, chr5:138,827,630, plus strand): 5'-TGGAGGAGCGTCTGGAAAGCATCATTAGTGGGGCTGCCTTGATGGCCGACTCGTCCTGCA[C>G]GCGTGATGACCGTCGTGAGCGAATTGTGGCAGAGTGTAATGCTGTCCGCCAGGCCCTGCA-3'
Protein context (NP_001894.2, residues 315-335): GAALMADSSC[Thr325Arg]RDDRRERIVA

ClinVar aggregate classification (germline): Uncertain significance. Review status: criteria provided, multiple submitters, no conflicts (2 of 4 stars). 2 submissions from 2 submitters: Uncertain significance (2). Last evaluated 2022-08-22.

Conditions:
Hereditary cancer-predisposing syndrome. Also called: Hereditary Cancer Syndrome; Neoplastic Syndromes, Hereditary; Tumor predisposition; Hereditary neoplastic syndrome. Identifiers: Orphanet 140162, MedGen C0027672, MeSH D009386, MONDO:0015356.

gnomAD v4.1: 1 of 1,614,194 alleles (0.000062%); highest among the groups gnomAD compares: Non-Finnish European, 0.000085%; no homozygotes.

Submissions (2):

Ambry Genetics
Classification: Uncertain significance for Hereditary cancer-predisposing syndrome. Last evaluated: 2022-08-22. Review status: criteria provided, single submitter. Criteria: Ambry Variant Classification Scheme 2023. Collection method: clinical testing. Allele origin: germline.
Comment: The p.T325R variant (also known as c.974C>G), located in coding exon 6 of the CTNNA1 gene, results from a C to G substitution at nucleotide position 974. The threonine at codon 325 is replaced by arginine, an amino acid with similar properties. This amino acid position is conserved. In addition, this alteration is predicted to be deleterious by in silico analysis. Since supporting evidence is limited at this time, the clinical significance of this alteration remains unclear.

Labcorp Genetics (formerly Invitae), Labcorp
Classification: Uncertain significance. Last evaluated: 2022-06-04. Review status: criteria provided, single submitter. Criteria: Invitae Variant Classification Sherloc (09022015). Collection method: clinical testing. Allele origin: germline.
Comment: In summary, the available evidence is currently insufficient to determine the role of this variant in disease. Therefore, it has been classified as a Variant of Uncertain Significance. This sequence change replaces threonine, which is neutral and polar, with arginine, which is basic and polar, at codon 325 of the CTNNA1 protein (p.Thr325Arg). This variant is not present in population databases (gnomAD no frequency). This variant has not been reported in the literature in individuals affected with CTNNA1-related conditions. ClinVar contains an entry for this variant (Variation ID: 1024048). Algorithms developed to predict the effect of missense changes on protein structure and function are either unavailable or do not agree on the potential impact of this missense change (SIFT: "Deleterious"; PolyPhen-2: "Probably Damaging"; Align-GVGD: "Class C0"). Algorithms developed to predict the effect of sequence changes on RNA splicing suggest that this variant may create or strengthen a splice site.